The following is an entry in ClinVar:

NM_000153.4(GALC):c.822A>C (p.Glu274Asp)

Gene: GALC (galactosylceramidase; minus strand). Cytogenetic location: 14q31.3.
Variant type: single nucleotide variant.
Coding change: c.822A>C on transcript NM_000153.4 (MANE Select); coding-DNA position 822, A replaced by C.
Protein change: p.Glu274Asp; replaces glutamic acid 274 with aspartic acid.
Molecular consequence: missense variant. On other transcripts: non-coding transcript variant (1).
Genome position (GRCh38, 1-based): chr14:87,968,421, T>G on the plus strand (A>C on the coding strand, the complement: GALC is on the minus strand). VCF-style: chr14-87968421-T-G. GRCh37 (hg19) VCF-style: chr14-88434765-T-G.
Other names: c.753A>C, p.Glu251Asp (NM_001201401.2); c.744A>C, p.Glu248Asp (NM_001201402.2); c.654A>C, p.Glu218Asp (NM_001424071.1, NM_001424072.1, NM_001424073.1); c.474A>C, p.Glu158Asp (NM_001424074.1, NM_001424075.1); c.189A>C, p.Glu63Asp (NM_001424076.1, NM_001424077.1); short protein forms E218D, E274D, E251D, E158D, E248D, E63D.
Identifiers: ClinVar variation 2860415 (VCV002860415.3), dbSNP rs750448899, ClinGen allele CA390748000.
Genomic context (GRCh38, chr14:87,968,421, plus strand): 5'-CTGATTTAAAATGCGACCCCAGCAGCCTGCACCCATGTCACTATTTAAAGTGCTAAAGTC[T>G]TCAGAAGACCAAAGCTTCTTCCCAGTCAACTTTGCATCTTTTGCTGAATGGGTTCCAGGA-3'
Protein context (NP_000144.2, residues 264-284): KLTGKKLWSS[Glu274Asp]DFSTLNSDMG

ClinVar aggregate classification (germline): Likely pathogenic (1 of 4 stars; one submission).

Conditions:
Galactosylceramide beta-galactosidase deficiency. Also called: Leukodystrophy, Globoid Cell; Krabbe Disease; GALACTOCEREBROSIDASE DEFICIENCY; GALC DEFICIENCY; GLOBOID CELL LEUKOENCEPHALOPATHY. Identifiers: Orphanet 487, MedGen C0023521, MONDO:0009499, OMIM 245200.

Submission:

Labcorp Genetics (formerly Invitae), Labcorp
Classification: Likely pathogenic for Galactosylceramide beta-galactosidase deficiency. Last evaluated: 2023-04-28. Review status: criteria provided, single submitter. Criteria: Invitae Variant Classification Sherloc (09022015). Collection method: clinical testing. Allele origin: germline.
Comment: Advanced modeling of protein sequence and biophysical properties (such as structural, functional, and spatial information, amino acid conservation, physicochemical variation, residue mobility, and thermodynamic stability) performed at Invitae indicates that this missense variant is expected to disrupt GALC protein function. In summary, the currently available evidence indicates that the variant is pathogenic, but additional data are needed to prove that conclusively. Therefore, this variant has been classified as Likely Pathogenic. This variant disrupts the p.Glu274 amino acid residue in GALC. Other variant(s) that disrupt this residue have been determined to be pathogenic (Invitae). This suggests that this residue is clinically significant, and that variants that disrupt this residue are likely to be disease-causing. This variant has not been reported in the literature in individuals affected with GALC-related conditions. This variant is not present in population databases (gnomAD no frequency). This sequence change replaces glutamic acid, which is acidic and polar, with aspartic acid, which is acidic and polar, at codon 274 of the GALC protein (p.Glu274Asp).